The following is an entry in ClinVar:

ClinVar aggregate classification (germline): Uncertain significance (1 of 4 stars; one submission).

Submission:

GeneDx
Classification: Uncertain significance. Last evaluated: 2017-01-23. Review status: criteria provided, single submitter. Criteria: GeneDx Variant Classification (06012015). Collection method: clinical testing. Allele origin: germline. Affected: yes.
Comment: A variant of uncertain significance has been identified in the SBF2 gene. The L155I variant has not been published as a pathogenic variant, nor has it been reported as a benign variant to our knowledge. The L155I variant is not observed in large population cohorts (Lek et al., 2016; 1000 Genomes Consortium et al., 2015; Exome Variant Server). This substitution occurs at a position that is conserved across species. However, the L155I variant is a conservative amino acid substitution, which is not likely to impact secondary protein structure as these residues share similar properties. In silico analysis is inconsistent in its predictions as to whether or not the variant is damaging to the protein structure/function. Therefore, based on the currently available information, it is unclear whether this variant is a pathogenic variant or a rare benign variant.

NM_030962.4(SBF2):c.463C>A (p.Leu155Ile)

Gene: SBF2 (SET binding factor 2; minus strand). Cytogenetic location: 11p15.4.
Variant type: single nucleotide variant.
Coding change: c.463C>A on transcript NM_030962.4 (MANE Select); coding-DNA position 463, C replaced by A.
Protein change: p.Leu155Ile; replaces leucine 155 with isoleucine.
Molecular consequence: missense variant.
Genome position (GRCh38, 1-based): chr11:10,029,815, G>T on the plus strand (C>A on the coding strand, the complement: SBF2 is on the minus strand). VCF-style: chr11-10029815-G-T. GRCh37 (hg19) VCF-style: chr11-10051362-G-T.
Other names: c.463C>A, p.Leu155Ile (NM_001386339.1, NM_001386342.1); short protein forms L155I.
Identifiers: ClinVar variation 392992 (VCV000392992.2), dbSNP rs1057524731, ClinGen allele CA16606759.